The following is an entry in ClinVar:

NM_000135.4(FANCA):c.3655G>C (p.Ala1219Pro)

Gene: FANCA (FA complementation group A; minus strand). Cytogenetic location: 16q24.3.
Variant type: single nucleotide variant.
Coding change: c.3655G>C on transcript NM_000135.4 (MANE Select); coding-DNA position 3655, G replaced by C.
Protein change: p.Ala1219Pro; replaces alanine 1219 with proline.
Molecular consequence: missense variant.
Genome position (GRCh38, 1-based): chr16:89,742,910, C>G on the plus strand (G>C on the coding strand, the complement: FANCA is on the minus strand). VCF-style: chr16-89742910-C-G. GRCh37 (hg19) VCF-style: chr16-89809318-C-G.
Other names: c.3655G>C, p.Ala1219Pro (NM_001286167.3); short protein forms A1219P.
Identifiers: ClinVar variation 5036394 (VCV005036394.1).

ClinVar aggregate classification (germline): Uncertain significance (1 of 4 stars; one submission).

Conditions:
Inborn genetic diseases. Identifiers: MedGen C0950123, MeSH D030342.

gnomAD v4.1: 1 of 1,614,094 alleles (0.000062%); highest among the groups gnomAD compares: South Asian, 0.0011%; no homozygotes.

Submission:

Ambry Genetics
Classification: Uncertain significance for Inborn genetic diseases. Last evaluated: 2026-08-04. Review status: criteria provided, single submitter. Criteria: Ambry Variant Classification Scheme 2023. Collection method: clinical testing. Allele origin: germline.
Comment: The p.A1219P variant (also known as c.3655G>C), located in coding exon 37 of the FANCA gene, results from a G to C substitution at nucleotide position 3655. The alanine at codon 1219 is replaced by proline, an amino acid with highly similar properties. This amino acid position is conserved. In addition, this alteration is predicted to be tolerated by in silico analysis. Based on the available evidence, the clinical significance of this variant remains unclear.